The following is an entry in ClinVar:

ClinVar aggregate classification (germline): Likely pathogenic (1 of 4 stars; one submission).

Conditions:
Rare venous malformation. Identifiers: Orphanet 211252, MedGen C0265950, MONDO:0016232.
Lymphatic malformation (LM). Identifiers: MedGen C0398368, MONDO:0019313. Disease mechanism: gain of function.

gnomAD v4.1: 4 of 1,530,250 alleles (0.00026%); highest among the groups gnomAD compares: East Asian, 0.0074%; no homozygotes.

Submission:

Department of Cardiovascular Surgery, China-Japan Friendship Hospital
Classification: Likely pathogenic for Lymphatic malformation; Rare venous malformation. Last evaluated: 2025-10-14. Review status: criteria provided, single submitter. Criteria: ACMG Guidelines, 2015. Collection method: clinical testing. Allele origin: germline. Inheritance: Autosomal dominant inheritance. Affected: yes. Observed: 3 variant alleles, 3 heterozygotes. Clinical features observed: HPO:0002725, HPO:0002619.
Comment: The PIEZO1 c.1013C>G (p.S338C) variant was identified in a Chinese family with venous and lymphatic malformations. It is located in a highly conserved region within the N-terminal transmembrane blade domain, predicted to be deleterious by multiple in silico tools (SIFT, PolyPhen-2, and CADD). The variant is extremely rare in population databases (gnomAD v2.1.1, MAF < 0.0001). According to ACMG Guidelines (2015), this variant meets criteria PM2 (absent from controls), PP1 (co-segregation), PP3 (computational evidence), and PP4 (consistent phenotype), and is therefore classified as Likely Pathogenic. The presence of a second PIEZO1 missense variant (c.1646C>T, p.T549M) in the same family was noted; both variants may contribute to the observed phenotypic variability.

Literature cited by the submitters: PubMed 30482854; PubMed 26387913.

NM_001142864.4(PIEZO1):c.1013C>G (p.Ser338Cys)

Genes: HSALR1 (HSP90AB1 associated lncRNA 1; plus strand), PIEZO1 (piezo type mechanosensitive ion channel component 1 (Er blood group); minus strand). Cytogenetic location: 16q24.3.
Variant type: single nucleotide variant.
Coding change: c.1013C>G on transcript NM_001142864.4 (MANE Select); coding-DNA position 1013, C replaced by G.
Protein change: p.Ser338Cys; replaces serine 338 with cysteine.
Molecular consequence: missense variant. On other transcripts: non-coding transcript variant (1).
Genome position (GRCh38, 1-based): chr16:88,737,941, G>C on the plus strand (C>G on the coding strand, the complement: PIEZO1 is on the minus strand). VCF-style: chr16-88737941-G-C. GRCh37 (hg19) VCF-style: chr16-88804349-G-C.
Other names: p.S338C; short protein forms S338C.
Identifiers: ClinVar variation 4282504 (VCV004282504.1).